The following is an entry in ClinVar:

NM_000949.7(PRLR):c.1732G>C (p.Glu578Gln)

Gene: PRLR (prolactin receptor; minus strand). Cytogenetic location: 5p13.2.
Variant type: single nucleotide variant.
Coding change: c.1732G>C on transcript NM_000949.7 (MANE Select); coding-DNA position 1732, G replaced by C.
Protein change: p.Glu578Gln; replaces glutamic acid 578 with glutamine.
Molecular consequence: missense variant. On other transcripts: 3 prime UTR variant (1), intron variant (3).
Genome position (GRCh38, 1-based): chr5:35,065,226, C>G on the plus strand (G>C on the coding strand, the complement: PRLR is on the minus strand). VCF-style: chr5-35065226-C-G. GRCh37 (hg19) VCF-style: chr5-35065328-C-G.
Other names: c.1429G>C, p.Glu477Gln (NM_001204314.2); c.*110G>C (NM_001204315.1); c.685+4898G>C (NM_001204318.1); c.855+2990G>C (NM_001204317.1); c.1009+723G>C (NM_001204316.1); short protein forms E477Q, E578Q.
Identifiers: ClinVar variation 4977600 (VCV004977600.1).

ClinVar aggregate classification (germline): Likely benign (1 of 4 stars; one submission).

Conditions:
PRLR-related disorder. Also called: PRLR-related condition.

gnomAD v4.1: 1,512 of 1,614,140 alleles (0.094%); highest among the groups gnomAD compares: Middle Eastern, 0.63%; 5 homozygotes.

Submission:

PreventionGenetics, part of Exact Sciences
Classification: Likely benign for PRLR-related condition. Last evaluated: 2025-02-24. Review status: criteria provided, single submitter. Criteria: ACMG Guidelines, 2015. Collection method: clinical testing. Allele origin: germline.
Comment: This variant is classified as likely benign based on ACMG/AMP sequence variant interpretation guidelines (Richards et al. 2015 PMID: 25741868, with internal and published modifications).